The following is an entry in ClinVar:

ClinVar aggregate classification (germline): Uncertain significance (1 of 4 stars; one submission).

Allele frequency attached by ClinVar (database versions not stated): gnomAD exomes below 0.00001.
gnomAD v4.1: 1 of 1,607,898 alleles (0.000062%); highest among the groups gnomAD compares: Non-Finnish European, 0.000085%; no homozygotes.

Submission:

GeneDx
Classification: Uncertain significance. Last evaluated: 2022-04-29. Review status: criteria provided, single submitter. Criteria: GeneDx Variant Classification Process June 2021. Collection method: clinical testing. Allele origin: germline. Affected: yes.
Comment: Not observed at significant frequency in large population cohorts (gnomAD); In silico analysis supports that this missense variant has a deleterious effect on protein structure/function; Has not been previously published as pathogenic or benign to our knowledge; This variant is associated with the following publications: (PMID: 20619386, 22315494)

NM_005188.4(CBL):c.1123G>C (p.Gly375Arg)

Gene: CBL (Cbl proto-oncogene; plus strand). Cytogenetic location: 11q23.3.
Variant type: single nucleotide variant.
Coding change: c.1123G>C on transcript NM_005188.4 (MANE Select); coding-DNA position 1123, G replaced by C.
Protein change: p.Gly375Arg; replaces glycine 375 with arginine.
Molecular consequence: missense variant.
Genome position (GRCh38, 1-based): chr11:119,278,193, G>C. VCF-style: chr11-119278193-G-C. GRCh37 (hg19) VCF-style: chr11-119148903-G-C.
Other names: short protein forms G375R.
Identifiers: ClinVar variation 1712693 (VCV001712693.2), dbSNP rs2135303587, ClinGen allele CA382912385.